The following is an entry in ClinVar:

NM_000037.4(ANK1):c.2164C>T (p.Gln722Ter)

Gene: ANK1 (ankyrin 1; minus strand). Cytogenetic location: 8p11.21.
Variant type: single nucleotide variant.
Coding change: c.2164C>T on transcript NM_000037.4 (MANE Select); coding-DNA position 2164, C replaced by T.
Protein change: p.Gln722Ter; replaces glutamine 722 with a stop codon.
Molecular consequence: nonsense.
Genome position (GRCh38, 1-based): chr8:41,704,406, G>A on the plus strand (C>T on the coding strand, the complement: ANK1 is on the minus strand). VCF-style: chr8-41704406-G-A. GRCh37 (hg19) VCF-style: chr8-41561924-G-A.
Other names: p.Gln722*; c.2263C>T, p.Gln755Ter (NM_001142446.2); c.2164C>T, p.Gln722Ter (NM_020475.3, NM_020476.3, NM_020477.3); short protein forms Q722*, Q755*.
Identifiers: ClinVar variation 994135 (VCV000994135.11), dbSNP rs747701761, ClinGen allele CA371066661.

ClinVar aggregate classification (germline): Pathogenic/Likely pathogenic. Review status: criteria provided, multiple submitters, no conflicts (2 of 4 stars). 3 submissions from 3 submitters: Pathogenic (2); Likely pathogenic (1). Last evaluated 2024-04-03.

Conditions:
Hereditary spherocytosis type 1. Also called: Spherocytosis type 1; ANK1-Related Spherocytosis. Identifiers: Orphanet 822, MedGen C2674218, MONDO:0008447, OMIM 182900.

Submissions (3):

Mayo Clinic Laboratories, Mayo Clinic
Classification: Likely pathogenic. Last evaluated: 2024-04-03. Review status: criteria provided, single submitter. Criteria: ACMG Guidelines, 2015. Collection method: clinical testing. Allele origin: germline. Observed: 2 variant alleles.
Comment: PM2_moderate, PVS1

Revvity Omics, Revvity
Classification: Pathogenic for Hereditary spherocytosis type 1. Last evaluated: 2023-02-06. Review status: criteria provided, single submitter. Criteria: ACMG Guidelines, 2015. Collection method: clinical testing. Allele origin: germline.

ARUP Laboratories, Molecular Genetics and Genomics, ARUP Laboratories
Classification: Pathogenic for Hereditary spherocytosis type 1. Last evaluated: 2020-04-14. Review status: criteria provided, single submitter. Criteria: ARUP Molecular Germline Variant Investigation Process. Collection method: clinical testing. Allele origin: germline.

Literature cited by the submitters: PubMed 36816036 (cited by Mayo Clinic Laboratories, Mayo Clinic).